The following is an entry in ClinVar:

ClinVar aggregate classification (germline): Uncertain significance. Review status: criteria provided, multiple submitters, no conflicts (2 of 4 stars). 3 submissions from 2 submitters: Uncertain significance (3). Last evaluated 2022-09-27.

Conditions:
Alpha-N-acetylgalactosaminidase deficiency type 2. Also called: ALPHA-N-ACETYLGALACTOSAMINIDASE DEFICIENCY, TYPE II; NAGA DEFICIENCY, TYPE II; SCHINDLER DISEASE, TYPE II. Identifiers: Orphanet 3137, Orphanet 79280, MedGen C1836522, MONDO:0012222, OMIM 609242.
Alpha-N-acetylgalactosaminidase deficiency type 1. Also called: SCHINDLER DISEASE, TYPE I; ALPHA-N-ACETYLGALACTOSAMINIDASE DEFICIENCY, TYPE I; NAGA DEFICIENCY, TYPE I; NEUROAXONAL DYSTROPHY, SCHINDLER TYPE. Identifiers: Orphanet 3137, Orphanet 79279, Orphanet 79281, MedGen C1836544, MONDO:0012221, OMIM 609241.

Allele frequency attached by ClinVar (database versions not stated): gnomAD exomes 0.00001 and 0.00002; ExAC 0.00002; gnomAD 0.00002 and 0.00003; TOPMed 0.00002.
gnomAD v4.1: 28 of 1,614,044 alleles (0.0017%); highest among the groups gnomAD compares: South Asian, 0.0099%; no homozygotes.

Submissions (3):

Labcorp Genetics (formerly Invitae), Labcorp
Classification: Uncertain significance for Alpha-N-acetylgalactosaminidase deficiency type 1. Last evaluated: 2022-09-27. Review status: criteria provided, single submitter. Criteria: Invitae Variant Classification Sherloc (09022015). Collection method: clinical testing. Allele origin: germline.
Comment: This sequence change replaces arginine, which is basic and polar, with histidine, which is basic and polar, at codon 213 of the NAGA protein (p.Arg213His). This variant is present in population databases (rs781499383, gnomAD 0.003%). This variant has not been reported in the literature in individuals affected with NAGA-related conditions. ClinVar contains an entry for this variant (Variation ID: 341909). Advanced modeling of protein sequence and biophysical properties (such as structural, functional, and spatial information, amino acid conservation, physicochemical variation, residue mobility, and thermodynamic stability) performed at Invitae indicates that this missense variant is expected to disrupt NAGA protein function. In summary, the available evidence is currently insufficient to determine the role of this variant in disease. Therefore, it has been classified as a Variant of Uncertain Significance.

Illumina Laboratory Services, Illumina
Classification: Uncertain significance for Alpha-N-acetylgalactosaminidase deficiency type 2. Last evaluated: 2018-01-12. Review status: criteria provided, single submitter. Criteria: ICSL Variant Classification Criteria 13 December 2019. Collection method: clinical testing. Allele origin: germline.

Illumina Laboratory Services, Illumina
Classification: Uncertain significance for Alpha-N-acetylgalactosaminidase deficiency type 1. Last evaluated: 2018-01-12. Review status: criteria provided, single submitter. Criteria: ICSL Variant Classification Criteria 13 December 2019. Collection method: clinical testing. Allele origin: germline.

NM_000262.3(NAGA):c.638G>A (p.Arg213His)

Gene: NAGA (alpha-N-acetylgalactosaminidase; minus strand). Cytogenetic location: 22q13.2.
Variant type: single nucleotide variant.
Coding change: c.638G>A on transcript NM_000262.3 (MANE Select); coding-DNA position 638, G replaced by A.
Protein change: p.Arg213His; replaces arginine 213 with histidine.
Molecular consequence: missense variant.
Genome position (GRCh38, 1-based): chr22:42,065,859, C>T on the plus strand (G>A on the coding strand, the complement: NAGA is on the minus strand). VCF-style: chr22-42065859-C-T. GRCh37 (hg19) VCF-style: chr22-42461863-C-T.
Other names: c.638G>A, p.Arg213His (NM_001362848.1, NM_001362850.1); short protein forms R213H.
Identifiers: ClinVar variation 341909 (VCV000341909.6), dbSNP rs781499383, ClinGen allele CA10263728.
Genomic context (GRCh38, chr22:42,065,859, plus strand): 5'-ACGAACCAATTCAGGATGGAGAGCACGCTCCACCAGGAGTCCTGGATGTCATCATAGTTA[C>T]GCCAGAGGTTGCAGATGTCCGCCAGCAGACTGTAGTTCACCTGGATGTCGAGGGGAAGGC-3'
Protein context (NP_000253.1, residues 203-223): SLLADICNLW[Arg213His]NYDDIQDSWW